The following is an entry in ClinVar:

NM_000143.4(FH):c.663dup (p.Ser222fs)

Gene: FH (fumarate hydratase; minus strand). Cytogenetic location: 1q43.
Variant type: Duplication.
Coding change: c.663dup on transcript NM_000143.4 (MANE Select); coding-DNA position 663, one base duplicated (A; older notation c.663dupA).
Protein change: p.Ser222fs; shifts the reading frame from serine 222.
Molecular consequence: frameshift variant.
Genome position (GRCh38, 1-based): chr1:241,508,678, T duplicated on the plus strand (A on the coding strand, the reverse complement: FH is on the minus strand); the first of 4 consecutive T bases (chr1:241,508,678-241,508,681); duplicating any one gives the same sequence. VCF-style (leftmost placement, unchanged base first): chr1-241508677-A-AT. GRCh37 (hg19) VCF-style: chr1-241671977-A-AT.
Other names: short protein forms S222fs.
Identifiers: ClinVar variation 826525 (VCV000826525.5), dbSNP rs1573883195, ClinGen allele CA915942107.

ClinVar aggregate classification (germline): Pathogenic (1 of 4 stars; one submission).

Conditions:
Hereditary cancer-predisposing syndrome. Also called: Neoplastic Syndromes, Hereditary; Tumor predisposition; Hereditary neoplastic syndrome; Hereditary Cancer Syndrome. Identifiers: Orphanet 140162, MedGen C0027672, MeSH D009386, MONDO:0015356.

Submission:

Ambry Genetics
Classification: Pathogenic for Hereditary cancer-predisposing syndrome. Last evaluated: 2025-01-16. Review status: criteria provided, single submitter. Criteria: Ambry Variant Classification Scheme 2023. Collection method: clinical testing. Allele origin: germline.
Comment: The c.663dupA pathogenic mutation, located in coding exon 5 of the FH gene, results from a duplication of A at nucleotide position 663, causing a translational frameshift with a predicted alternate stop codon (p.S222Ifs*28). This variant is considered to be rare based on population cohorts in the Genome Aggregation Database (gnomAD). This alteration is expected to result in loss of function by premature protein truncation or nonsense-mediated mRNA decay. As such, this alteration is interpreted as a disease-causing mutation.